The following is an entry in ClinVar:

ClinVar aggregate classification (germline): Conflicting classifications of pathogenicity. Review status: criteria provided, conflicting classifications (1 of 4 stars). 6 submissions from 6 submitters: Uncertain significance (4); Likely benign (2). Last evaluated 2026-06-29.

Conditions:
Cardiomyopathy (CMYO). Also called: Cardiomyopathies. Identifiers: Orphanet 167848, MedGen C0878544, MONDO:0004994, HP:0001638. Inheritance: Various modes of inheritance.
PRKAG2-related disorder. Also called: PRKAG2-related disorders; PRKAG2-related condition.
Lethal congenital glycogen storage disease of heart. Also called: GLYCOGEN STORAGE DISEASE OF HEART; PHOSPHORYLASE KINASE DEFICIENCY OF HEART. Identifiers: Orphanet 439854, MedGen C1849813, MONDO:0009867, OMIM 261740.
Cardiovascular phenotype. Identifiers: MedGen CN230736.
Hypertrophic cardiomyopathy. Also called: HYPERTROPHIC MYOCARDIOPATHY. Identifiers: Orphanet 217569, MedGen C0007194, MeSH D002312, MONDO:0005045, HP:0001639.

Allele frequency attached by ClinVar (database versions not stated): gnomAD exomes below 0.00001; gnomAD 0.00002; TOPMed 0.00002; ESP Exome Variant Server 0.00008.
gnomAD v4.1: 9 of 1,594,762 alleles (0.00056%); highest among the groups gnomAD compares: Non-Finnish European, 0.00077%; no homozygotes.

Submissions (6):

PreventionGenetics, part of Exact Sciences
Classification: Likely benign for PRKAG2-related condition. Last evaluated: 2026-06-29. Review status: criteria provided, single submitter. Criteria: ACMG Guidelines, 2015. Collection method: clinical testing. Allele origin: germline.
Comment: This variant is classified as likely benign based on ACMG/AMP sequence variant interpretation guidelines (Richards et al. 2015 PMID: 25741868, with internal and published modifications).

Labcorp Genetics (formerly Invitae), Labcorp
Classification: Uncertain significance for Lethal congenital glycogen storage disease of heart. Last evaluated: 2025-08-29. Review status: criteria provided, single submitter. Criteria: Invitae Variant Classification Sherloc (09022015). Collection method: clinical testing. Allele origin: germline.
Comment: This sequence change falls in intron 9 of the PRKAG2 gene. It does not directly change the encoded amino acid sequence of the PRKAG2 protein. It affects a nucleotide within the consensus splice site. The frequency data for this variant in the population databases is considered unreliable, as metrics indicate poor data quality at this position in the gnomAD database. This variant has not been reported in the literature in individuals affected with PRKAG2-related conditions. ClinVar contains an entry for this variant (Variation ID: 661703). Variants that disrupt the consensus splice site are a relatively common cause of aberrant splicing (PMID: 17576681, 9536098). Algorithms developed to predict the effect of sequence changes on RNA splicing suggest that this variant may disrupt the consensus splice site. In summary, the available evidence is currently insufficient to determine the role of this variant in disease. Therefore, it has been classified as a Variant of Uncertain Significance.

Color Diagnostics, LLC DBA Color Health
Classification: Uncertain significance for Cardiomyopathy. Last evaluated: 2023-11-06. Review status: criteria provided, single submitter. Criteria: ACMG Guidelines, 2015. Collection method: clinical testing. Allele origin: germline.
Comment: This variant causes an A to G nucleotide substitution at the +3 position of intron 9 of the PRKAG2 gene. Splice site prediction tools are inconclusive regarding the impact of this variant on RNA splicing. To our knowledge, functional studies have not been reported for this variant. This variant has not been reported in individuals affected with PRKAG2-related disorders in the literature. This variant has been identified in 3/281202 chromosomes in the general population by the Genome Aggregation Database (gnomAD). The available evidence is insufficient to determine the role of this variant in disease conclusively. Therefore, this variant is classified as a Variant of Uncertain Significance.

Ambry Genetics
Classification: Uncertain significance for Cardiovascular phenotype. Last evaluated: 2023-05-13. Review status: criteria provided, single submitter. Criteria: Ambry Variant Classification Scheme 2023. Collection method: clinical testing. Allele origin: germline.
Comment: The c.1051+3A>G intronic variant results from an A to G substitution 3 nucleotides after coding exon 9 in the PRKAG2 gene. This nucleotide position is highly conserved in available vertebrate species. In silico splice site analysis for this alteration is inconclusive. Since supporting evidence is limited at this time, the clinical significance of this alteration remains unclear.

All of Us Research Program, National Institutes of Health
Classification: Uncertain significance for Hypertrophic cardiomyopathy. Last evaluated: 2023-03-28. Review status: criteria provided, single submitter. Criteria: ACMG Guidelines, 2015. Collection method: clinical testing. Allele origin: germline. Inheritance: Autosomal dominant inheritance. Observed: 1 variant allele, 1 heterozygote.
Comment: This study involves interpretation of variants in research participants for the purpose of population health screening. Participant phenotype was not available at the time of variant classification. Additional details can be found in publication PMID: 35346344, PMCID: PMC8962531

GeneDx
Classification: Likely benign. Last evaluated: 2020-11-23. Review status: criteria provided, single submitter. Criteria: GeneDx Variant Classification Process June 2021. Collection method: clinical testing. Allele origin: germline. Affected: yes.

Literature cited by the submitters: PubMed 17576681 (cited by Labcorp Genetics (formerly Invitae), Labcorp); PubMed 9536098 (cited by Labcorp Genetics (formerly Invitae), Labcorp).

NM_016203.4(PRKAG2):c.1051+3A>G

Gene: PRKAG2 (protein kinase AMP-activated non-catalytic subunit gamma 2; minus strand). Cytogenetic location: 7q36.1.
Variant type: single nucleotide variant.
Coding change: c.1051+3A>G on transcript NM_016203.4 (MANE Select); 3 bases into the intron after coding-DNA position 1051, A replaced by G.
Molecular consequence: intron variant.
Genome position (GRCh38, 1-based): chr7:151,572,661, T>C on the plus strand (A>G on the coding strand, the complement: PRKAG2 is on the minus strand). VCF-style: chr7-151572661-T-C. GRCh37 (hg19) VCF-style: chr7-151269747-T-C.
Other names: c.919+3A>G (NM_001040633.2); c.676+3A>G (NM_001304527.2); c.679+3A>G (NM_001363698.2); c.328+3A>G (NM_001304531.2, NM_024429.2).
Identifiers: ClinVar variation 661703 (VCV000661703.18), dbSNP rs376499470, ClinGen allele CA169167150.